The following is an entry in ClinVar:

NM_004183.4(BEST1):c.241G>A (p.Val81Met)

Gene: BEST1 (bestrophin 1; plus strand). Cytogenetic location: 11q12.3.
Variant type: single nucleotide variant.
Coding change: c.241G>A on transcript NM_004183.4 (MANE Select); coding-DNA position 241, G replaced by A.
Protein change: p.Val81Met; replaces valine 81 with methionine.
Molecular consequence: missense variant. On other transcripts: non-coding transcript variant (1).
Genome position (GRCh38, 1-based): chr11:61,955,195, G>A. VCF-style: chr11-61955195-G-A. GRCh37 (hg19) VCF-style: chr11-61722667-G-A.
Other names: c.61G>A, p.Val21Met (NM_001139443.3, NM_001300786.2, NM_001300787.2); c.241G>A, p.Val81Met (NM_001363592.2); short protein forms V81M, V21M.
Identifiers: ClinVar variation 548451 (VCV000548451.12), dbSNP rs1555098634, ClinGen allele CA380833837.
Genomic context (GRCh38, chr11:61,955,195, plus strand): 5'-ATGTTTGAGAAACTGACTCTGTATTGCGACAGCTACATCCAGCTCATCCCCATTTCCTTC[G>A]TGCTGGGTGAGTTCCCCCTTCTGGCTGTTCCGGGTCCCTGTGGCCGCCCAGGCTCCAGAC-3'
Protein context (NP_004174.1, residues 71-91): SYIQLIPISF[Val81Met]LGFYVTLVVT

ClinVar aggregate classification (germline): Pathogenic/Likely pathogenic. Review status: criteria provided, multiple submitters, no conflicts (2 of 4 stars). 4 submissions from 4 submitters: Pathogenic (2); Likely pathogenic (1). 1 of the submissions does not count toward it. Last evaluated 2025-11-03.

Conditions:
Vitelliform macular dystrophy 2. Also called: Best Macular Dystrophy; VITELLIFORM MACULAR DYSTROPHY, EARLY-ONSET; VITELLIFORM MACULAR DYSTROPHY, JUVENILE-ONSET; Best vitelliform macular dystrophy, multifocal; Best Vitelliform Macular Dystrophy (BVMD); MACULAR DEGENERATION, POLYMORPHIC VITELLINE. Identifiers: Orphanet 1243, MedGen C2745945, MONDO:0007931, OMIM 153700.
BEST1-related disorder. Also called: BEST1-related disorders; BEST1-related condition. Identifiers: MedGen CN239200.

Submissions (4):

Labcorp Genetics (formerly Invitae), Labcorp
Classification: Pathogenic. Last evaluated: 2025-11-03. Review status: criteria provided, single submitter. Criteria: Invitae Variant Classification Sherloc (09022015). Collection method: clinical testing. Allele origin: germline.
Comment: This sequence change replaces valine, which is neutral and non-polar, with methionine, which is neutral and non-polar, at codon 81 of the BEST1 protein (p.Val81Met). This variant is not present in population databases (gnomAD no frequency). This missense change has been observed in individuals with autosomal dominant Best vitelliform macular dystrophy (PMID: 21109774, 26201355, 28687848, 31519547). It has also been observed to segregate with disease in related individuals. ClinVar contains an entry for this variant (Variation ID: 548451). Invitae Evidence Modeling of protein sequence and biophysical properties (such as structural, functional, and spatial information, amino acid conservation, physicochemical variation, residue mobility, and thermodynamic stability) indicates that this missense variant is expected to disrupt BEST1 protein function with a positive predictive value of 95%. For these reasons, this variant has been classified as Pathogenic.

Dasa
Classification: Pathogenic. Last evaluated: 2025-08-04. Review status: criteria provided, single submitter. Criteria: DASA Assertion Criteria. Collection method: clinical testing. Allele origin: germline.
Comment: NM_004183.4(BEST1):c.241G>A (p.Val81Met) is a missense variant that results in the substitution of valine with methionine. The affected residue or protein region has prior evidence supporting clinical relevance. Segregation evidence has been reported in affected families. This variant has been recurrently observed in individuals with related phenotype (PMID: 21109774; PMID: 26201355; PMID: 28687848; PMID: 31519547). Multiple computational predictions support a deleterious effect on the gene or gene product. The variant is present at low frequency in population datasets. Based on the available data, this variant is classified as pathogenic.

Blueprint Genetics
Classification: Likely pathogenic for BEST1-related disorders. Last evaluated: 2018-11-08. Review status: criteria provided, single submitter. Criteria: ACMG Guidelines, 2015. Collection method: clinical testing. Allele origin: germline. Affected: yes. Observed: 1 variant allele.

Centro de Genética y Biología Molecular, Universidad de San Martín de Porres
Classification: Likely pathogenic for Vitelliform macular dystrophy 2. Last evaluated: 2018-02-05. Review status: no assertion criteria provided. Collection method: provider interpretation. Allele origin: germline. Inheritance: Sporadic. Affected: yes. Observed: 1 variant allele, 1 heterozygote. Not counted in ClinVar's aggregate classification.

Literature cited by the submitters: PubMed 21109774 (cited by Labcorp Genetics (formerly Invitae), Labcorp and Dasa); PubMed 26201355 (cited by Labcorp Genetics (formerly Invitae), Labcorp and Dasa); PubMed 28687848 (cited by Labcorp Genetics (formerly Invitae), Labcorp and Dasa); PubMed 31519547 (cited by Labcorp Genetics (formerly Invitae), Labcorp and Dasa).